The following is an entry in ClinVar:

NM_213655.5(WNK1):c.2358C>G (p.His786Gln)

Gene: WNK1 (WNK lysine deficient protein kinase 1; plus strand). Cytogenetic location: 12p13.33.
Variant type: single nucleotide variant.
Coding change: c.2358C>G on transcript NM_213655.5 (MANE Plus Clinical); coding-DNA position 2358, C replaced by G.
Protein change: p.His786Gln; replaces histidine 786 with glutamine.
Molecular consequence: missense variant. On other transcripts: intron variant (3).
Genome position (GRCh38, 1-based): chr12:865,328, C>G. VCF-style: chr12-865328-C-G. GRCh37 (hg19) VCF-style: chr12-974494-C-G.
Other names: c.2140-2538C>G (NM_001184985.2); c.2139+3058C>G (NM_018979.4, NM_014823.3); short protein forms H786Q.
Identifiers: ClinVar variation 1496971 (VCV001496971.10), dbSNP rs750430448, ClinGen allele CA6382144.

ClinVar aggregate classification (germline): Uncertain significance. Review status: criteria provided, multiple submitters, no conflicts (2 of 4 stars). 4 submissions from 4 submitters: Uncertain significance (4). Last evaluated 2026-02-18.

Conditions:
WNK1-related disorder. Also called: WNK1-related condition.
Inborn genetic diseases. Identifiers: MedGen C0950123, MeSH D030342.
Neuropathy, hereditary sensory and autonomic, type 2A (HSAN2A). Also called: ACROOSTEOLYSIS, GIACCAI TYPE; ACROOSTEOLYSIS, NEUROGENIC; WNK1-Related HSAN2 (HSAN2A); HSAN IIA; MORVAN DISEASE; NEUROPATHY, CONGENITAL SENSORY. Identifiers: Orphanet 970, MedGen C2752089, MONDO:0024309, OMIM 201300.
Pseudohypoaldosteronism type 2C (PHA2C). Also called: Pseudohypoaldosteronism Type IIC. Identifiers: Orphanet 757, Orphanet 88940, MedGen C1840391, MONDO:0013778, OMIM 614492.

Allele frequency attached by ClinVar (database versions not stated): gnomAD 0.00002; TOPMed 0.00003; ExAC 0.00008.
gnomAD v4.1: 54 of 1,536,022 alleles (0.0035%); highest among the groups gnomAD compares: Non-Finnish European, 0.0045%; no homozygotes.

Submissions (4):

PreventionGenetics, part of Exact Sciences
Classification: Uncertain significance for WNK1-related condition. Last evaluated: 2026-02-18. Review status: criteria provided, single submitter. Criteria: ACMG Guidelines, 2015. Collection method: clinical testing. Allele origin: germline.
Comment: The WNK1 c.2358C>G variant is predicted to result in the amino acid substitution p.His786Gln. Of note, this variant can also be referred to as c.2139+3058C>G with the kidney specific isoform, NM_018979. To our knowledge, this variant has not been reported in the literature. This variant is reported in 0.0038% of alleles in individuals of European (Non-Finnish) descent in gnomAD. At this time, the clinical significance of this variant is uncertain due to the absence of conclusive functional and genetic evidence.

Labcorp Genetics (formerly Invitae), Labcorp
Classification: Uncertain significance for Neuropathy, hereditary sensory and autonomic, type 2A; Pseudohypoaldosteronism type 2C. Last evaluated: 2025-09-11. Review status: criteria provided, single submitter. Criteria: Invitae Variant Classification Sherloc (09022015). Collection method: clinical testing. Allele origin: germline.
Comment: This sequence change replaces histidine, which is basic and polar, with glutamine, which is neutral and polar, at codon 786 of the WNK1 protein (p.His786Gln). This variant is present in population databases (rs750430448, gnomAD 0.004%). This variant has not been reported in the literature in individuals affected with WNK1-related conditions. ClinVar contains an entry for this variant (Variation ID: 1496971). Invitae Evidence Modeling of protein sequence and biophysical properties (such as structural, functional, and spatial information, amino acid conservation, physicochemical variation, residue mobility, and thermodynamic stability) indicates that this missense variant is not expected to disrupt WNK1 protein function with a negative predictive value of 95%. In summary, the available evidence is currently insufficient to determine the role of this variant in disease. Therefore, it has been classified as a Variant of Uncertain Significance.

GeneDx
Classification: Uncertain significance. Last evaluated: 2024-03-14. Review status: criteria provided, single submitter. Criteria: GeneDx Variant Classification Process June 2021. Collection method: clinical testing. Allele origin: germline. Affected: yes.
Comment: Not observed at significant frequency in large population cohorts (gnomAD); In silico analysis supports that this missense variant has a deleterious effect on protein structure/function; Has not been previously published as pathogenic or benign to our knowledge

Ambry Genetics
Classification: Uncertain significance for Inborn genetic diseases. Last evaluated: 2021-03-19. Review status: criteria provided, single submitter. Criteria: Ambry Variant Classification Scheme 2023. Collection method: clinical testing. Allele origin: germline.
Comment: The p.H786Q variant (also known as c.2358C>G), located in coding exon 9 of the WNK1 gene, results from a C to G substitution at nucleotide position 2358. The histidine at codon 786 is replaced by glutamine, an amino acid with highly similar properties. This amino acid position is not well conserved in available vertebrate species, and glutamine is the reference amino acid in other vertebrate species. In addition, this alteration is predicted to be tolerated by in silico analysis. Since supporting evidence is limited at this time, the clinical significance of this alteration remains unclear.